The following is an entry in ClinVar:

ClinVar aggregate classification (germline): Benign (0 of 4 stars; one submission).

Conditions:
SPEN-related disorder. Also called: SPEN-related condition.

Allele frequency attached by ClinVar (database versions not stated): ESP Exome Variant Server 0.07623; gnomAD 0.10564; TOPMed 0.11025; gnomAD exomes 0.11220; 1000 Genomes Project 30x 0.12102; 1000 Genomes Project 0.12121; ExAC 0.13094.

Submissions (15):

PreventionGenetics, part of Exact Sciences
Classification: Benign for SPEN-related condition. Last evaluated: 2024-02-27. Review status: no assertion criteria provided. Collection method: clinical testing. Allele origin: germline.
Comment: This variant is classified as benign based on ACMG/AMP sequence variant interpretation guidelines (Richards et al. 2015 PMID: 25741868, with internal and published modifications).

Dr. Peter K. Rogan Lab, Western University
No classification provided (evidence only). Condition: Colorectal cancer. Review status: no classification provided. Collection method: in vitro. Allele origin: not applicable. Functional consequence: retained intron. Not counted in ClinVar's aggregate classification.

Dr. Peter K. Rogan Lab, Western University
No classification provided (evidence only). Condition: Colorectal cancer. Review status: no classification provided. Collection method: in vitro. Allele origin: not applicable. Functional consequence: retained intron. Not counted in ClinVar's aggregate classification.

Dr. Peter K. Rogan Lab, Western University
No classification provided (evidence only). Condition: Malignant lymphoma, large B-cell, diffuse. Review status: no classification provided. Collection method: in vitro. Allele origin: not applicable. Functional consequence: retained intron. Not counted in ClinVar's aggregate classification.

Dr. Peter K. Rogan Lab, Western University
No classification provided (evidence only). Condition: Malignant lymphoma, large B-cell, diffuse. Review status: no classification provided. Collection method: in vitro. Allele origin: not applicable. Functional consequence: retained intron. Not counted in ClinVar's aggregate classification.

Dr. Peter K. Rogan Lab, Western University
No classification provided (evidence only). Condition: Malignant lymphoma, large B-cell, diffuse. Review status: no classification provided. Collection method: in vitro. Allele origin: not applicable. Functional consequence: retained intron. Not counted in ClinVar's aggregate classification.

Dr. Peter K. Rogan Lab, Western University
No classification provided (evidence only). Condition: Thymoma. Review status: no classification provided. Collection method: in vitro. Allele origin: not applicable. Functional consequence: retained intron. Not counted in ClinVar's aggregate classification.

Dr. Peter K. Rogan Lab, Western University
No classification provided (evidence only). Condition: Thymoma. Review status: no classification provided. Collection method: in vitro. Allele origin: not applicable. Functional consequence: retained intron. Not counted in ClinVar's aggregate classification.

Dr. Peter K. Rogan Lab, Western University
No classification provided (evidence only). Condition: Thymoma. Review status: no classification provided. Collection method: in vitro. Allele origin: not applicable. Functional consequence: retained intron. Not counted in ClinVar's aggregate classification.

Dr. Peter K. Rogan Lab, Western University
No classification provided (evidence only). Condition: Thymoma. Review status: no classification provided. Collection method: in vitro. Allele origin: not applicable. Functional consequence: retained intron. Not counted in ClinVar's aggregate classification.

Dr. Peter K. Rogan Lab, Western University
No classification provided (evidence only). Condition: Cholangiocarcinoma. Review status: no classification provided. Collection method: in vitro. Allele origin: not applicable. Functional consequence: retained intron. Not counted in ClinVar's aggregate classification.

Dr. Peter K. Rogan Lab, Western University
No classification provided (evidence only). Condition: Adrenocortical carcinoma, hereditary. Review status: no classification provided. Collection method: in vitro. Allele origin: not applicable. Functional consequence: retained intron. Not counted in ClinVar's aggregate classification.

Dr. Peter K. Rogan Lab, Western University
No classification provided (evidence only). Condition: Adrenocortical carcinoma, hereditary. Review status: no classification provided. Collection method: in vitro. Allele origin: not applicable. Functional consequence: retained intron. Not counted in ClinVar's aggregate classification.

Dr. Peter K. Rogan Lab, Western University
No classification provided (evidence only). Condition: Adrenocortical carcinoma, hereditary. Review status: no classification provided. Collection method: in vitro. Allele origin: not applicable. Functional consequence: retained intron. Not counted in ClinVar's aggregate classification.

Dr. Peter K. Rogan Lab, Western University
No classification provided (evidence only). Condition: Germ cell tumor of testis. Review status: no classification provided. Collection method: in vitro. Allele origin: not applicable. Functional consequence: retained intron. Not counted in ClinVar's aggregate classification.

NM_015001.3(SPEN):c.9669C>T (p.Ser3223=)

Gene: SPEN (spen family transcriptional repressor; plus strand). Cytogenetic location: 1p36.13.
Variant type: single nucleotide variant.
Coding change: c.9669C>T on transcript NM_015001.3 (MANE Select); coding-DNA position 9669, C replaced by T.
Protein change: p.Ser3223=; no amino-acid change (serine 3223 retained).
Molecular consequence: synonymous variant.
Genome position (GRCh38, 1-based): chr1:15,935,909, C>T. VCF-style: chr1-15935909-C-T. GRCh37 (hg19) VCF-style: chr1-16262404-C-T.
Other names: NC_000001.10:g.16262404C>T.
Identifiers: ClinVar variation 3060127 (VCV003060127.3), dbSNP rs61749277, ClinGen allele CA620535.